The following is an entry in ClinVar:

NM_006009.4(TUBA1A):c.1112T>A (p.Val371Glu)

Gene: TUBA1A (tubulin alpha 1a; minus strand). Cytogenetic location: 12q13.12.
Variant type: single nucleotide variant.
Coding change: c.1112T>A on transcript NM_006009.4 (MANE Select); coding-DNA position 1112, T replaced by A.
Protein change: p.Val371Glu; replaces valine 371 with glutamic acid.
Molecular consequence: missense variant.
Genome position (GRCh38, 1-based): chr12:49,185,254, A>T on the plus strand (T>A on the coding strand, the complement: TUBA1A is on the minus strand). VCF-style: chr12-49185254-A-T. GRCh37 (hg19) VCF-style: chr12-49579037-A-T.
Other names: c.1112T>A, p.Val371Glu (NM_001270399.2); c.1007T>A, p.Val336Glu (NM_001270400.2); short protein forms V371E, V336E.
Identifiers: ClinVar variation 625514 (VCV000625514.2), dbSNP rs1565626988, ClinGen allele CA384635816.

ClinVar aggregate classification (germline): Pathogenic (1 of 4 stars; one submission).

Conditions:
Tubulinopathy. Also called: Tubulinopathies. Identifiers: MedGen CN850169, MONDO:0100153.

Submission:

Institute of Human Genetics, FAU Erlangen, Friedrich-Alexander-Universität Erlangen-Nürnberg
Classification: Pathogenic for Tubulinopathies. Last evaluated: 2018-07-01. Review status: criteria provided, single submitter. Criteria: ACMG Guidelines, 2015. Collection method: literature only. Allele origin: de novo. Affected: yes. Observed: 1 variant allele.
Comment: The c.1112T>A, p.(Val371Glu) variant has been reported as a variant of de novo origin. This variant and associated phenotype was previously reported by Bahi-Buisson et al. Brain, 2014 PMID: 24860126. Agyria (HP:0031882); Cerebellar vermis hypoplasia (HP:0001320); Hypoplasia of the pons (HP:0012110); Cerebellar hypoplasia (HP:0001321); no Gray matter heterotopia (-HP:0002281); Microcephaly (HP:0000252)

Literature cited by the submitters: PubMed 30744660; DOI 10.1101/427948.